The following is an entry in ClinVar:

NM_004341.5(CAD):c.4492A>G (p.Thr1498Ala)

Gene: CAD (carbamoyl-phosphate synthetase 2, aspartate transcarbamylase, and dihydroorotase; plus strand). Cytogenetic location: 2p23.3.
Variant type: single nucleotide variant.
Coding change: c.4492A>G on transcript NM_004341.5 (MANE Select); coding-DNA position 4492, A replaced by G.
Protein change: p.Thr1498Ala; replaces threonine 1498 with alanine.
Molecular consequence: missense variant.
Genome position (GRCh38, 1-based): chr2:27,237,474, A>G. VCF-style: chr2-27237474-A-G. GRCh37 (hg19) VCF-style: chr2-27460342-A-G.
Other names: c.4303A>G, p.Thr1435Ala (NM_001306079.2); short protein forms T1498A, T1435A.
Identifiers: ClinVar variation 1354386 (VCV001354386.6), dbSNP rs1340445022, ClinGen allele CA346219976.

ClinVar aggregate classification (germline): Uncertain significance (1 of 4 stars; one submission).

Allele frequency attached by ClinVar (database versions not stated): gnomAD exomes below 0.00001; TOPMed below 0.00001.
gnomAD v4.1: 1 of 1,614,140 alleles (0.000062%); highest among the groups gnomAD compares: Admixed American, 0.0017%; no homozygotes.

Submission:

Labcorp Genetics (formerly Invitae), Labcorp
Classification: Uncertain significance. Last evaluated: 2021-11-30. Review status: criteria provided, single submitter. Criteria: Invitae Variant Classification Sherloc (09022015). Collection method: clinical testing. Allele origin: germline.
Comment: This sequence change replaces threonine, which is neutral and polar, with alanine, which is neutral and non-polar, at codon 1498 of the CAD protein (p.Thr1498Ala). This variant is present in population databases (no rsID available, gnomAD 0.003%). This variant has not been reported in the literature in individuals affected with CAD-related conditions. Algorithms developed to predict the effect of missense changes on protein structure and function are either unavailable or do not agree on the potential impact of this missense change (SIFT: "Tolerated"; PolyPhen-2: "Possibly Damaging"; Align-GVGD: "Class C0"). In summary, the available evidence is currently insufficient to determine the role of this variant in disease. Therefore, it has been classified as a Variant of Uncertain Significance.